The following is an entry in ClinVar:

ClinVar aggregate classification (germline): Uncertain significance. Review status: criteria provided, single submitter (1 of 4 stars). 2 submissions from 2 submitters: Uncertain significance (1). 1 of the submissions does not count toward it. Last evaluated 2022-10-05.

Conditions:
CAMK2G-related disorder. Also called: CAMK2G-related condition.

Allele frequency attached by ClinVar (database versions not stated): ExAC 0.00004; gnomAD exomes 0.00004; gnomAD 0.00008; TOPMed 0.00008; ESP Exome Variant Server 0.00015.
gnomAD v4.1: 93 of 1,613,050 alleles (0.0058%); highest among the groups gnomAD compares: Admixed American, 0.0017%; no homozygotes.

Submissions (2):

Ambry Genetics
Classification: Uncertain significance. Last evaluated: 2022-10-05. Review status: criteria provided, single submitter. Criteria: Ambry Variant Classification Scheme 2023. Collection method: clinical testing. Allele origin: germline.

PreventionGenetics, part of Exact Sciences
Classification: Likely benign for CAMK2G-related condition. Last evaluated: 2022-04-01. Review status: no assertion criteria provided. Collection method: clinical testing. Allele origin: germline. Not counted in ClinVar's aggregate classification.
Comment: This variant is classified as likely benign based on ACMG/AMP sequence variant interpretation guidelines (Richards et al. 2015 PMID: 25741868, with internal and published modifications).

NM_001367534.1(CAMK2G):c.1409C>A (p.Ala470Asp)

Gene: CAMK2G (calcium/calmodulin dependent protein kinase II gamma; minus strand). Cytogenetic location: 10q22.2.
Variant type: single nucleotide variant.
Coding change: c.1409C>A on transcript NM_001367534.1 (MANE Select); coding-DNA position 1409, C replaced by A.
Protein change: p.Ala470Asp; replaces alanine 470 with aspartic acid.
Molecular consequence: missense variant. On other transcripts: 3 prime UTR variant (2), non-coding transcript variant (8).
Genome position (GRCh38, 1-based): chr10:73,817,509, G>T on the plus strand (C>A on the coding strand, the complement: CAMK2G is on the minus strand). VCF-style: chr10-73817509-G-T. GRCh37 (hg19) VCF-style: chr10-75577267-G-T.
Other names: c.1262C>A, p.Ala421Asp (NM_001204492.2, NM_001367521.1); c.1130C>A, p.Ala377Asp (NM_001222.4, NM_001367541.1); c.1340C>A, p.Ala447Asp (NM_001320898.2, NM_001367546.1, NM_001367547.1); c.1289C>A, p.Ala430Asp (NM_001367514.1, NM_001367525.1); c.1199C>A, p.Ala400Asp (NM_001367516.1, NM_001367517.1, NM_001367529.1 and 1 more transcripts); c.1277C>A, p.Ala426Asp (NM_001367518.1, NM_001367522.1); c.1163C>A, p.Ala388Asp (NM_001367519.1, NM_001367530.1); c.1271C>A, p.Ala424Asp (NM_001367520.1, NM_001367533.1); and 19 more; short protein forms A377D, A386D, A400D, A411D, A430D, A436D, A459D, A424D.
Identifiers: ClinVar variation 2360142 (VCV002360142.4), dbSNP rs375277421, ClinGen allele CA5561724.
Genomic context (GRCh38, chr10:73,817,509, plus strand): 5'-GGTCACAAAAAAAAATGGGTCTCTACTTACGTGTAGGCCTCAAAGTCCCCATTGTTGATG[G>T]CTTCAATCAGCTGTTCTGTAATCTTAATGATCTCCTGTTTTCGCACTGTGGGGGAGAAAA-3'
Protein context (NP_001354463.1, residues 460-480): IIKITEQLIE[Ala470Asp]INNGDFEAYT